The following is an entry in ClinVar:

ClinVar aggregate classification (germline): Uncertain significance (1 of 4 stars; one submission).

Conditions:
Epileptic encephalopathy. Identifiers: MedGen C0543888, HP:0200134.

Allele frequency attached by ClinVar (database versions not stated): gnomAD exomes below 0.00001; ExAC 0.00001.
gnomAD v4.1: 6 of 1,612,776 alleles (0.00037%); highest among the groups gnomAD compares: South Asian, 0.0033%; no homozygotes.

Submission:

Labcorp Genetics (formerly Invitae), Labcorp
Classification: Uncertain significance for Epileptic encephalopathy. Last evaluated: 2025-09-10. Review status: criteria provided, single submitter. Criteria: Invitae Variant Classification Sherloc (09022015). Collection method: clinical testing. Allele origin: germline.
Comment: This sequence change replaces alanine, which is neutral and non-polar, with valine, which is neutral and non-polar, at codon 2112 of the FASN protein (p.Ala2112Val). This variant is present in population databases (rs756162629, gnomAD 0.003%). This variant has not been reported in the literature in individuals affected with FASN-related conditions. ClinVar contains an entry for this variant (Variation ID: 841152). An algorithm developed to predict the effect of missense changes on protein structure and function (PolyPhen-2) suggests that this variant is likely to be tolerated. In summary, the available evidence is currently insufficient to determine the role of this variant in disease. Therefore, it has been classified as a Variant of Uncertain Significance.

NM_004104.5(FASN):c.6335C>T (p.Ala2112Val)

Gene: FASN (fatty acid synthase; minus strand). Cytogenetic location: 17q25.3.
Variant type: single nucleotide variant.
Coding change: c.6335C>T on transcript NM_004104.5 (MANE Select); coding-DNA position 6335, C replaced by T.
Protein change: p.Ala2112Val; replaces alanine 2112 with valine.
Molecular consequence: missense variant.
Genome position (GRCh38, 1-based): chr17:82,081,672, G>A on the plus strand (C>T on the coding strand, the complement: FASN is on the minus strand). VCF-style: chr17-82081672-G-A. GRCh37 (hg19) VCF-style: chr17-80039548-G-A.
Other names: short protein forms A2112V.
Identifiers: ClinVar variation 841152 (VCV000841152.11), dbSNP rs756162629, ClinGen allele CA8851339.